The following is an entry in ClinVar:

ClinVar aggregate classification (germline): Uncertain significance (1 of 4 stars; one submission).

Conditions:
Brody myopathy. Also called: BRODY DISEASE. Identifiers: Orphanet 53347, MedGen C1832918, MONDO:0010977, OMIM 601003.

Submission:

Labcorp Genetics (formerly Invitae), Labcorp
Classification: Uncertain significance for Brody myopathy. Last evaluated: 2021-08-02. Review status: criteria provided, single submitter. Criteria: Invitae Variant Classification Sherloc (09022015). Collection method: clinical testing. Allele origin: germline.
Comment: This variant has not been reported in the literature in individuals affected with ATP2A1-related conditions. In summary, the available evidence is currently insufficient to determine the role of this variant in disease. Therefore, it has been classified as a Variant of Uncertain Significance. Algorithms developed to predict the effect of missense changes on protein structure and function are either unavailable or do not agree on the potential impact of this missense change (SIFT: "Deleterious"; PolyPhen-2: "Probably Damaging"; Align-GVGD: "Class C0"). This variant is not present in population databases (ExAC no frequency). This sequence change replaces leucine with proline at codon 119 of the ATP2A1 protein (p.Leu119Pro). The leucine residue is moderately conserved and there is a moderate physicochemical difference between leucine and proline.

NM_004320.6(ATP2A1):c.356T>C (p.Leu119Pro)

Gene: ATP2A1 (ATPase sarcoplasmic/endoplasmic reticulum Ca2+ transporting 1; plus strand). Cytogenetic location: 16p11.2.
Variant type: single nucleotide variant.
Coding change: c.356T>C on transcript NM_004320.6 (MANE Select); coding-DNA position 356, T replaced by C.
Protein change: p.Leu119Pro; replaces leucine 119 with proline.
Molecular consequence: missense variant. On other transcripts: 5 prime UTR variant (1).
Genome position (GRCh38, 1-based): chr16:28,882,482, T>C. VCF-style: chr16-28882482-T-C. GRCh37 (hg19) VCF-style: chr16-28893803-T-C.
Other names: c.-20T>C (NM_001286075.2); c.356T>C, p.Leu119Pro (NM_173201.5); short protein forms L119P.
Identifiers: ClinVar variation 1463875 (VCV001463875.6), dbSNP rs2152200141, ClinGen allele CA395401087.